The following is an entry in ClinVar:

NM_001127198.5(TMC6):c.1482C>T (p.Ala494=)

Gene: TMC6 (transmembrane channel like 6; minus strand). Cytogenetic location: 17q25.3.
Variant type: single nucleotide variant.
Coding change: c.1482C>T on transcript NM_001127198.5 (MANE Select); coding-DNA position 1482, C replaced by T.
Protein change: p.Ala494=; no amino-acid change (alanine 494 retained).
Molecular consequence: synonymous variant. On other transcripts: non-coding transcript variant (4).
Genome position (GRCh38, 1-based): chr17:78,121,066, G>A on the plus strand (C>T on the coding strand, the complement: TMC6 is on the minus strand). VCF-style: chr17-78121066-G-A. GRCh37 (hg19) VCF-style: chr17-76117147-G-A.
Other names: c.1482C>T, p.Ala494= (NM_001321185.1, NM_001374593.1, NM_001374594.1 and 4 more transcripts).
Identifiers: ClinVar variation 526255 (VCV000526255.15), dbSNP rs61739261, ClinGen allele CA8795736.

ClinVar aggregate classification (germline): Benign. Review status: criteria provided, multiple submitters, no conflicts (2 of 4 stars). 3 submissions from 3 submitters: Benign (2). 1 of the submissions does not count toward it. Last evaluated 2026-02-02.

Conditions:
TMC6-related disorder. Also called: TMC6-related condition.
Epidermodysplasia verruciformis. Identifiers: Orphanet 302, MedGen C0014522, MONDO:0009176.

Allele frequency attached by ClinVar (database versions not stated): 1000 Genomes Project 30x 0.01562; gnomAD exomes 0.00264 and 0.00528; ExAC 0.00613; gnomAD 0.01342 and 0.01419; ESP Exome Variant Server 0.01392; 1000 Genomes Project 0.01438; TOPMed 0.01476.
gnomAD v4.1: 6,142 of 1,613,194 alleles (0.38%); highest among the groups gnomAD compares: African/African-American, 4.2%; 94 homozygotes.

Submissions (3):

Labcorp Genetics (formerly Invitae), Labcorp
Classification: Benign for Epidermodysplasia verruciformis. Last evaluated: 2026-02-02. Review status: criteria provided, single submitter. Criteria: Invitae Variant Classification Sherloc (09022015). Collection method: clinical testing. Allele origin: germline.

Breakthrough Genomics
Classification: Benign. Review status: criteria provided, single submitter. Criteria: ACMG Guidelines, 2015. Collection method: not provided. Allele origin: germline. Inheritance: Autosomal recessive inheritance. Affected: yes.

PreventionGenetics, part of Exact Sciences
Classification: Benign for TMC6-related condition. Last evaluated: 2019-10-02. Review status: no assertion criteria provided. Collection method: clinical testing. Allele origin: germline. Not counted in ClinVar's aggregate classification.
Comment: This variant is classified as benign based on ACMG/AMP sequence variant interpretation guidelines (Richards et al. 2015 PMID: 25741868, with internal and published modifications).